The following is an entry in ClinVar:

ClinVar aggregate classification (germline): Pathogenic (1 of 4 stars; one submission).

Conditions:
Primary ciliary dyskinesia 3. Identifiers: Orphanet 244, MedGen C1837618, MONDO:0012085, OMIM 608644.

Submission:

Myriad Genetics, Inc.
Classification: Pathogenic for Primary ciliary dyskinesia 3. Last evaluated: 2024-05-14. Review status: criteria provided, single submitter. Criteria: Myriad Autosomal Dominant, Autosomal Recessive and X-Linked Classification Criteria (2023). Collection method: clinical testing. Allele origin: unknown.
Comment: NM_001369.2(DNAH5):c.12319_12320ins5(D4107Vfs*8) is expected to be pathogenic in the context of primary ciliary dyskinesia, DNAH5-related. This variant is predicted to lead to an abnormal or absent protein product due to the creation of a premature termination codon in DNAH5, a gene where loss-of-function variants are known to be pathogenic. Please note: this variant was assessed in the context of healthy population screening.

NM_001369.3(DNAH5):c.12319_12320insTCCCT (p.Asp4107fs)

Gene: DNAH5 (dynein axonemal heavy chain 5; minus strand). Cytogenetic location: 5p15.2.
Variant type: Insertion.
Coding change: c.12319_12320insTCCCT on transcript NM_001369.3 (MANE Select); coding-DNA positions 12319 to 12320, TCCCT inserted.
Protein change: p.Asp4107fs; shifts the reading frame from aspartic acid 4107.
Molecular consequence: frameshift variant.
Genome position: GRCh38 VCF-style: chr5-13719061-T-TAGGGA. GRCh37 (hg19) VCF-style: chr5-13719170-T-TAGGGA.
Other names: short protein forms D4107fs.
Identifiers: ClinVar variation 5011175 (VCV005011175.1).